The following is an entry in ClinVar:

NM_000540.3(RYR1):c.175C>T (p.Pro59Ser)

Gene: RYR1 (ryanodine receptor 1; plus strand). Cytogenetic location: 19q13.2.
Variant type: single nucleotide variant.
Coding change: c.175C>T on transcript NM_000540.3 (MANE Select); coding-DNA position 175, C replaced by T.
Protein change: p.Pro59Ser; replaces proline 59 with serine.
Molecular consequence: missense variant.
Genome position (GRCh38, 1-based): chr19:38,442,358, C>T. VCF-style: chr19-38442358-C-T. GRCh37 (hg19) VCF-style: chr19-38932998-C-T.
Other names: c.175C>T, p.Pro59Ser (NM_001042723.2); short protein forms P59S.
Identifiers: ClinVar variation 452262 (VCV000452262.3), dbSNP rs1555762521, ClinGen allele CA405673681.

ClinVar aggregate classification (germline): Uncertain significance (1 of 4 stars; one submission).

Submission:

GeneDx
Classification: Uncertain significance. Last evaluated: 2020-02-14. Review status: criteria provided, single submitter. Criteria: GeneDx Variant Classification Process June 2021. Collection method: clinical testing. Allele origin: germline. Affected: yes.
Comment: Not observed in large population cohorts (Lek et al., 2016); In silico analysis supports that this missense variant has a deleterious effect on protein structure/function; Has not been previously published as pathogenic or benign to our knowledge